The following is an entry in ClinVar:

NM_025081.3(NYNRIN):c.2900G>A (p.Ser967Asn)

Gene: NYNRIN (NYN domain and retroviral integrase containing; plus strand). Cytogenetic location: 14q12.
Variant type: single nucleotide variant.
Coding change: c.2900G>A on transcript NM_025081.3 (MANE Select); coding-DNA position 2900, G replaced by A.
Protein change: p.Ser967Asn; replaces serine 967 with asparagine.
Molecular consequence: missense variant.
Genome position (GRCh38, 1-based): chr14:24,414,649, G>A. VCF-style: chr14-24414649-G-A. GRCh37 (hg19) VCF-style: chr14-24883855-G-A.
Other names: short protein forms S967N.
Identifiers: ClinVar variation 3657224 (VCV003657224.2).

ClinVar aggregate classification (germline): Uncertain significance (1 of 4 stars; one submission).

Submission:

Labcorp Genetics (formerly Invitae), Labcorp
Classification: Uncertain significance. Last evaluated: 2024-06-21. Review status: criteria provided, single submitter. Criteria: Invitae Variant Classification Sherloc (09022015). Collection method: clinical testing. Allele origin: germline.
Comment: This sequence change replaces serine, which is neutral and polar, with asparagine, which is neutral and polar, at codon 967 of the NYNRIN protein (p.Ser967Asn). This variant is not present in population databases (gnomAD no frequency). This variant has not been reported in the literature in individuals affected with NYNRIN-related conditions. Experimental studies and prediction algorithms are not available or were not evaluated, and the functional significance of this variant is currently unknown. In summary, the available evidence is currently insufficient to determine the role of this variant in disease. Therefore, it has been classified as a Variant of Uncertain Significance.